The following is an entry in ClinVar:

ClinVar aggregate classification (germline): Uncertain significance. Review status: criteria provided, multiple submitters, no conflicts (2 of 4 stars). 2 submissions from 2 submitters: Uncertain significance (2). Last evaluated 2026-01-20.

Conditions:
Hereditary cancer-predisposing syndrome. Also called: Tumor predisposition; Hereditary neoplastic syndrome; Hereditary Cancer Syndrome; Neoplastic Syndromes, Hereditary. Identifiers: Orphanet 140162, MedGen C0027672, MeSH D009386, MONDO:0015356.
Bloom syndrome (BLM). Also called: Bloom-Torre-Machacek syndrome. Identifiers: Orphanet 125, MedGen C0005859, MONDO:0008876, OMIM 210900.

gnomAD v4.1: 1 of 1,614,186 alleles (0.000062%); highest among the groups gnomAD compares: Non-Finnish European, 0.000085%; no homozygotes.

Submissions (2):

Labcorp Genetics (formerly Invitae), Labcorp
Classification: Uncertain significance for Bloom syndrome. Last evaluated: 2026-01-20. Review status: criteria provided, single submitter. Criteria: Invitae Variant Classification Sherloc (09022015). Collection method: clinical testing. Allele origin: germline.
Comment: This sequence change replaces proline, which is neutral and non-polar, with serine, which is neutral and polar, at codon 1404 of the BLM protein (p.Pro1404Ser). This variant is not present in population databases (gnomAD no frequency). This variant has not been reported in the literature in individuals affected with BLM-related conditions. ClinVar contains an entry for this variant (Variation ID: 576566). An algorithm developed to predict the effect of missense changes on protein structure and function (PolyPhen-2) suggests that this variant is likely to be disruptive. In summary, the available evidence is currently insufficient to determine the role of this variant in disease. Therefore, it has been classified as a Variant of Uncertain Significance.

Ambry Genetics
Classification: Uncertain significance for Hereditary cancer-predisposing syndrome. Last evaluated: 2025-07-14. Review status: criteria provided, single submitter. Criteria: Ambry Variant Classification Scheme 2023. Collection method: clinical testing. Allele origin: germline.
Comment: The p.P1404S variant (also known as c.4210C>T), located in coding exon 21 of the BLM gene, results from a C to T substitution at nucleotide position 4210. The proline at codon 1404 is replaced by serine, an amino acid with similar properties. This amino acid position is conserved. In addition, the in silico prediction for this alteration is inconclusive. Since supporting evidence is limited at this time, the clinical significance of this alteration remains unclear.

NM_000057.4(BLM):c.4210C>T (p.Pro1404Ser)

Gene: BLM (BLM RecQ like helicase; plus strand). Cytogenetic location: 15q26.1.
Variant type: single nucleotide variant.
Coding change: c.4210C>T on transcript NM_000057.4 (MANE Select); coding-DNA position 4210, C replaced by T.
Protein change: p.Pro1404Ser; replaces proline 1404 with serine.
Molecular consequence: missense variant.
Genome position (GRCh38, 1-based): chr15:90,815,235, C>T. VCF-style: chr15-90815235-C-T. GRCh37 (hg19) VCF-style: chr15-91358465-C-T.
Other names: c.4210C>T, p.Pro1404Ser (NM_001287246.2); c.3817C>T, p.Pro1273Ser (NM_001287247.2); c.3085C>T, p.Pro1029Ser (NM_001287248.2); c.4210C>T (NM_000057.2); short protein forms P1404S, P1273S, P1029S.
Identifiers: ClinVar variation 576566 (VCV000576566.13), dbSNP rs1567069054, ClinGen allele CA393852693.